The following is an entry in ClinVar:

ClinVar aggregate classification (germline): Pathogenic/Likely pathogenic. Review status: criteria provided, multiple submitters, no conflicts (2 of 4 stars). 23 submissions from 23 submitters: Pathogenic (19); Likely pathogenic (1). 3 of the submissions do not count toward it. Last evaluated 2026-08-31.

Conditions:
Familial melanoma. Also called: Hereditary melanoma; Hereditary cutaneous melanoma. Identifiers: Orphanet 618, MedGen C1512419, MONDO:0018961.
Melanoma-pancreatic cancer syndrome. Identifiers: Orphanet 404560, MedGen C1838547, MONDO:0011713, OMIM 606719. Disease mechanism: loss of function.
Melanoma, cutaneous malignant, susceptibility to, 2 (CMM2). Also called: CDKN2A-Related Cutaneous Malignant Melanoma; Cutaneous malignant melanoma 2. Identifiers: Orphanet 618, MedGen C1835044, MONDO:0007964, OMIM 155601.
Melanoma and neural system tumor syndrome. Also called: MELANOMA-ASTROCYTOMA SYNDROME. Identifiers: Orphanet 252206, MedGen C1835042, MONDO:0007967, OMIM 155755.
Hereditary cancer-predisposing syndrome. Also called: Hereditary neoplastic syndrome; Tumor predisposition; Neoplastic Syndromes, Hereditary; Hereditary Cancer Syndrome. Identifiers: Orphanet 140162, MedGen C0027672, MeSH D009386, MONDO:0015356.
CDKN2A-related disorder. Also called: CDKN2A-related condition.

Allele frequency attached by ClinVar (database versions not stated): gnomAD 0.00001; TOPMed 0.00001.
gnomAD v4.1: 13 of 1,609,864 alleles (0.00081%); highest among the groups gnomAD compares: Non-Finnish European, 0.0011%; no homozygotes.

Submissions 1 to 11 of 23:

Institute of Human Genetics, University of Leipzig Medical Center
Classification: Pathogenic for Melanoma-pancreatic cancer syndrome. Last evaluated: 2026-08-31. Review status: criteria provided, single submitter. Criteria: ACMG Guidelines, 2015. Collection method: clinical testing. Allele origin: unknown. Inheritance: Autosomal dominant inheritance. Affected: yes.
Comment: Criteria applied: PS3,PS4,PP1_STR,PM2_SUP

Labcorp Genetics (formerly Invitae), Labcorp
Classification: Pathogenic for Familial melanoma. Last evaluated: 2026-01-18. Review status: criteria provided, single submitter. Criteria: Invitae Variant Classification Sherloc (09022015). Collection method: clinical testing. Allele origin: germline.
Comment: This sequence change replaces arginine, which is basic and polar, with proline, which is neutral and non-polar, at codon 24 of the CDKN2A (p16INK4a) protein (p.Arg24Pro). This variant is present in population databases (rs104894097, gnomAD 0.004%). This missense change has been observed in individual(s) with pancreatic cancer and multiple primary melanomas (PMID: 8570179, 9699728, 10390011, 15146471, 16905682, 17047042, 18363633, 21150883, 21801156, 25356972, 26225579). It has also been observed to segregate with disease in related individuals. ClinVar contains an entry for this variant (Variation ID: 9415). An algorithm developed to predict the effect of missense changes on protein structure and function (PolyPhen-2) suggests that this variant is likely to be disruptive. Experimental studies have shown that this missense change affects CDKN2A (p16INK4a) function (PMID: 11595726, 15945100, 18843795, 20340136, 23190892). For these reasons, this variant has been classified as Pathogenic.

Dasa
Classification: Pathogenic. Last evaluated: 2025-08-19. Review status: criteria provided, single submitter. Criteria: DASA Assertion Criteria. Collection method: clinical testing. Allele origin: germline.
Comment: NM_000077.5(CDKN2A):c.71G>C (p.Arg24Pro) is a missense variant that results in the substitution of arginine with proline. Segregation evidence has been reported in affected families. Functional evidence supports a deleterious effect on the gene or gene product (PMID: 17909018; PMID: 20340136; PMID: 10398427; PMID: 10390011; PMID: 9516223). This variant has been recurrently observed in individuals with related phenotype (PMID: 17909018; PMID: 20340136; PMID: 10398427; PMID: 10390011; PMID: 9516223). The variant is present at low frequency in population datasets. Based on the available data, this variant is classified as pathogenic.

GeneKor MSA
Classification: Pathogenic for Melanoma-pancreatic cancer syndrome. Last evaluated: 2025-05-15. Review status: criteria provided, single submitter. Criteria: ACMG Guidelines, 2015. Collection method: clinical testing. Allele origin: germline. Affected: yes.
Comment: This sequence change replaces Arginine with Proline at codon 24 of the CDKN2A protein. This variant is present in population databases (rs104894097, ExAC 0.005%). This variant has been reported in individuals with multiple primary melanomas (PMID:8570179, 9699728, 15146471, 16905682, 18363633, 21801156, 10390011, 26225579, 17047042, 17047042, 26225579) and in individuals with pancreatic cancer (PMID:21150883, 15146471, 16905682, 25356972). The mutation database ClinVar contains entries for this variant (VCV000009415.39). Experimental studies have shown that this missense change disrupts p16INK4a protein function, including cellular localization, CDK4 binding, and normal growth suppression (PMID:20340136, 23190892, 11595726, 18843795, 15945100). For these reasons, this variant has been classified as Pathogenic.

Blueprint Genetics
Classification: Pathogenic for CDKN2A-related disorders. Last evaluated: 2024-10-14. Review status: criteria provided, single submitter. Criteria: ACMG Guidelines, 2015. Collection method: clinical testing. Allele origin: germline. Affected: yes. Observed: 5 variant alleles.

Genetic Services Laboratory, University of Chicago
Classification: Pathogenic. Last evaluated: 2024-10-07. Review status: criteria provided, single submitter. Criteria: ACMG Guidelines, 2015. Collection method: clinical testing. Allele origin: germline. Affected: yes.
Comment: DNA sequence analysis of the CDKN2A gene demonstrated a sequence change, c.71G>C, in exon 1 that results in an amino acid change, p.Arg24Pro. The p.Arg24Pro change affects a moderately conserved amino acid residue located in a domain of the CDKN2A protein that is not known to be functional. In-silico pathogenicity prediction tools (SIFT, PolyPhen2, Align GVGD, REVEL) provide contradictory results for the p.Arg24Pro substitution. This sequence change has previously been described in individuals with pancreatic cancer and multiple primary melanomas (PMID: 9699728, 10390011, 15146471, 16905682, 17047042, 18363633, 21150883, 21801156, 25356972, 26225579). This sequence change has been described in the gnomAD database with a frequency of 0.0011% in the European subpopulation (dbSNP rs104894097). Functional studies indicates that this missense change affects CDKN2A function (PMID: 11595726, 15945100, 18843795, 20340136, 23190892). These collective evidences indicate that this sequence change is pathogenic.

Molecular Pathology, Peter Maccallum Cancer Centre
Classification: Pathogenic for Melanoma-pancreatic cancer syndrome. Last evaluated: 2024-08-09. Review status: criteria provided, single submitter. Criteria: ACMG Guidelines, 2015. Collection method: clinical testing. Allele origin: germline. Inheritance: Autosomal dominant inheritance.

Ambry Genetics
Classification: Pathogenic for Hereditary cancer-predisposing syndrome. Last evaluated: 2024-05-22. Review status: criteria provided, single submitter. Criteria: Ambry Variant Classification Scheme 2023. Collection method: clinical testing. Allele origin: germline.
Comment: The p.R24P pathogenic mutation (also known as c.71G>C), located in coding exon 1 of the CDKN2A gene, results from a G to C substitution at nucleotide position 71. The arginine at codon 24 is replaced by proline, an amino acid with dissimilar properties. This alteration has been detected in numerous familial melanoma kindreds with and without pancreatic cancer; in three such families, the alteration co-segregated with disease in 21 out of 23 affected individuals overall (Soufir N et al. Hum. Mol. Genet. 1998 Feb;7(2):209-16; Monzon J et al. N. Engl. J. Med. 1998 Mar;338(13):879-87; MacKie RM et al. J. Invest. Dermatol. 1998 Aug;111(2):269-72; Newton Bishop JA et al. Br. J. Cancer 1999 Apr;80(1-2):295-300; Holland EA et al. Genes Chromosomes Cancer 1999 Aug; 25(4):339-48; Della Torre G et al. Br. J. Cancer 2001 Sep;85(6):836-44; Stolarova L et al. Biomedicines. 2020 Oct;8(10):404). Functional studies have shown that p.R24P mutants have varying levels of decreased binding affinity to CDK4 while other assays measuring cell cycle arrest and oxidative regulation have demonstrated activity comparable to wild type (Miller PJ et al. Hum. Mutat. 2011 Aug;32(8):900-11; McKenzie HA et al. Hum. Mutat. 2010 Jun;31(6):692-701; Jenkins NC et al. J. Invest. Dermatol. 2013 Apr;133(4):1043-51; Monzon J et al. N. Engl. J. Med. 1998 Mar;338(13):879-87, Becker TM et al. Clin. Cancer Res. 2001 Oct;7(10):3282-8; Jones R et al. Cancer Res. 2007 Oct;67(19):9134-41). Based on the supporting evidence, this variant is interpreted as a disease-causing mutation.

Baylor Genetics
Classification: Pathogenic for Melanoma and neural system tumor syndrome. Last evaluated: 2024-03-22. Review status: criteria provided, single submitter. Criteria: ACMG Guidelines, 2015. Collection method: clinical testing. Allele origin: unknown.

Myriad Genetics, Inc.
Classification: Likely pathogenic for Melanoma-pancreatic cancer syndrome. Last evaluated: 2023-04-20. Review status: criteria provided, single submitter. Criteria: Myriad Autosomal Dominant, Autosomal Recessive and X-Linked Classification Criteria (2023). Collection method: clinical testing. Allele origin: unknown.
Comment: This variant is considered likely pathogenic. This variant has been reported in multiple individuals with clinical features of gene-specific disease [PMID: 8570179, 11556834]. Functional studies indicate this variant impacts protein function [PMID: 17909018]. This variant is expected to disrupt protein structure [Myriad internal data].

Department of Pathology and Laboratory Medicine, Sinai Health System
Classification: Pathogenic for Melanoma-pancreatic cancer syndrome. Last evaluated: 2023-03-27. Review status: criteria provided, single submitter. Criteria: ACMG Guidelines, 2015. Collection method: clinical testing. Allele origin: germline. Affected: yes.

NM_000077.5(CDKN2A):c.71G>C (p.Arg24Pro)

Gene: CDKN2A (cyclin dependent kinase inhibitor 2A; minus strand). Cytogenetic location: 9p21.3.
Variant type: single nucleotide variant.
Coding change: c.71G>C on transcript NM_000077.5; coding-DNA position 71, G replaced by C.
Protein change: p.Arg24Pro; replaces arginine 24 with proline.
Molecular consequence: missense variant (on NM_000077.6). On other transcripts: intron variant (2).
Genome position (GRCh38, 1-based): chr9:21,974,757, C>G on the plus strand (G>C on the coding strand, the complement: CDKN2A is on the minus strand). VCF-style: chr9-21974757-C-G. GRCh37 (hg19) VCF-style: chr9-21974756-C-G.
Other names: c.71G>C, p.Arg24Pro (NM_000077.6, NM_001195132.2, NM_058197.5); c.-3-3549G>C (NM_001363763.2); c.194-3549G>C (NM_058195.4); short protein forms R24P.
Identifiers: ClinVar variation 9415 (VCV000009415.48), dbSNP rs104894097, ClinGen allele CA120395.
Genomic context (GRCh38, chr9:21,974,757, plus strand): 5'-TAACTATTCGGTGCGTTGGGCAGCGCCCCCGCCTCCAGCAGCGCCCGCACCTCCTCTACC[C>G]GACCCCGGGCCGCGGCCGTGGCCAGCCAGTCAGCCGAAGGCTCCATGCTGCTCCCCGCCG-3'
Protein context (NP_000068.1, residues 14-34): DWLATAAARG[Arg24Pro]VEEVRALLEA